The following is an entry in ClinVar:

NM_000132.4(F8):c.1420G>A (p.Gly474Arg)

Gene: F8 (coagulation factor VIII; minus strand). Cytogenetic location: Xq28.
Variant type: single nucleotide variant.
Coding change: c.1420G>A on transcript NM_000132.4 (MANE Select); coding-DNA position 1420, G replaced by A.
Protein change: p.Gly474Arg; replaces glycine 474 with arginine.
Molecular consequence: missense variant.
Genome position (GRCh38, 1-based): chrX:154,965,993, C>T on the plus strand (G>A on the coding strand, the complement: F8 is on the minus strand). VCF-style: chrX-154965993-C-T. GRCh37 (hg19) VCF-style: chrX-154194268-C-T.
Other names: NM_000132.4:c.1420G>A; short protein forms G474R.
Identifiers: ClinVar variation 3358854 (VCV003358854.1).
Genomic context (GRCh38, chrX:154,965,993, plus strand): 5'-TCTTCTTACCTGACCTTAAATCTTTTCTTCAACTTACCAACAGTGTGTCTCCAACTTCCC[C>T]ATAAAGTAAAGGTCCCAAGATTCCTGATTCATGCTGAATAGCTTCACGAGTCTTAAAGGT-3'
Protein context (NP_000123.1, residues 464-484): ESGILGPLLY[Gly474Arg]EVGDTLLIIF

ClinVar aggregate classification (germline): Likely pathogenic (3 of 4 stars; one submission).

Conditions:
Hereditary factor VIII deficiency disease (HEMA). Also called: HEMOPHILIA, CLASSIC; AUTOSOMAL HEMOPHILIA A; Hemophilia A; Hemophilia A, congenital; HEM A; Factor 8 deficiency, congenital. Identifiers: Orphanet 98878, MedGen C0019069, MONDO:0010602, OMIM 306700.

Submission:

ClinGen Coagulation Factor Deficiency Variant Curation Expert Panel, Clingen
Classification: Likely pathogenic for Hereditary factor VIII deficiency disease. Last evaluated: 2024-09-30. Review status: reviewed by expert panel. Criteria: ClinGen CoagFactor ACMG Specifications F8 V1.0.0. Collection method: curation. Allele origin: germline. Inheritance: X-linked inheritance.
Comment: The variant, NM_000132.3(F8):c.1420G>A, predicts a missense change, Gly474Arg, which is not reported in gnomAD v2.1.1 or v3. This variant has been reported in at least three patients with severe or mild-moderate Hemophilia A in the literature (PMID: 9603440, 16972227, 29296726) meeting PS4_Moderate and PP4_Moderate criteria. The variant has a REVEL score of 0.972 (threshold >0.6) meeting criteria for PP3. Another nucleotide change at the same codon, c.1421G>A (p.Gly474Glu) is classified as pathogenic by CFD-VCEP meeting criteria for PM5. In summary, the clinical significance of this variant is likely pathogenic. ACMG/AMP criteria applied, as specified by the Coagulation Factor Deficiency Variant Curation Expert Panel for F8: PS4_Moderate, PM5, PP4_Moderate, PP3, PM2_Supporting.